The following is an entry in ClinVar:

NM_024747.6(HPS6):c.223C>T (p.Gln75Ter)

Genes: HPS6 (HPS6 biogenesis of lysosomal organelles complex 2 subunit 3; plus strand), LOC130004578 (ATAC-STARR-seq lymphoblastoid silent region 2738; plus strand). Cytogenetic location: 10q24.32.
Variant type: single nucleotide variant.
Coding change: c.223C>T on transcript NM_024747.6 (MANE Select); coding-DNA position 223, C replaced by T.
Protein change: p.Gln75Ter; replaces glutamine 75 with a stop codon.
Molecular consequence: nonsense.
Genome position (GRCh38, 1-based): chr10:102,065,697, C>T. VCF-style: chr10-102065697-C-T. GRCh37 (hg19) VCF-style: chr10-103825454-C-T.
Other names: short protein forms Q75*.
Identifiers: ClinVar variation 30676 (VCV000030676.9), dbSNP rs281865107, ClinGen allele CA259886.

ClinVar aggregate classification (germline): Pathogenic. Review status: criteria provided, multiple submitters, no conflicts (2 of 4 stars). 3 submissions from 3 submitters: Pathogenic (2). 1 of the submissions does not count toward it. Last evaluated 2024-04-15.

Conditions:
HPS6-related disorders.
Hermansky-Pudlak syndrome 6 (HPS6). Identifiers: Orphanet 231512, Orphanet 79430, MedGen C3888007, MONDO:0013558, OMIM 614075.

Allele frequency attached by ClinVar (database versions not stated): TOPMed 0.00001; gnomAD 0.00001.

Submissions (3):

Labcorp Genetics (formerly Invitae), Labcorp
Classification: Pathogenic. Last evaluated: 2024-04-15. Review status: criteria provided, single submitter. Criteria: Invitae Variant Classification Sherloc (09022015). Collection method: clinical testing. Allele origin: germline.
Comment: This sequence change creates a premature translational stop signal (p.Gln75*) in the HPS6 gene. While this is not anticipated to result in nonsense mediated decay, it is expected to disrupt the last 701 amino acid(s) of the HPS6 protein. This variant is not present in population databases (gnomAD no frequency). This premature translational stop signal has been observed in individual(s) with Hermansky-Pudlak syndrome (PMID: 19843503). ClinVar contains an entry for this variant (Variation ID: 30676). This variant disrupts a region of the HPS6 protein in which other variant(s) (p.Gln680*) have been determined to be pathogenic (PMID: 27225848). This suggests that this is a clinically significant region of the protein, and that variants that disrupt it are likely to be disease-causing. For these reasons, this variant has been classified as Pathogenic.

Blueprint Genetics
Classification: Pathogenic for HPS6-related disorders. Last evaluated: 2021-08-10. Review status: criteria provided, single submitter. Criteria: ACMG Guidelines, 2015. Collection method: clinical testing. Allele origin: germline. Affected: yes. Observed: 1 variant allele.

OMIM
Classification: Pathogenic for HERMANSKY-PUDLAK SYNDROME 6. Last evaluated: 2009-12-01. Review status: no assertion criteria provided. Collection method: literature only. Allele origin: germline. Not counted in ClinVar's aggregate classification.

Literature cited by the submitters: PubMed 19843503 (cited by Labcorp Genetics (formerly Invitae), Labcorp and OMIM); PubMed 27225848 (cited by Labcorp Genetics (formerly Invitae), Labcorp).